The following is an entry in ClinVar:

NM_138383.3(MTSS2):c.1115G>C (p.Ser372Thr)

Gene: MTSS2 (MTSS I-BAR domain containing 2; minus strand). Cytogenetic location: 16q22.1.
Variant type: single nucleotide variant.
Coding change: c.1115G>C on transcript NM_138383.3 (MANE Select); coding-DNA position 1115, G replaced by C.
Protein change: p.Ser372Thr; replaces serine 372 with threonine.
Molecular consequence: missense variant.
Genome position (GRCh38, 1-based): chr16:70,665,479, C>G on the plus strand (G>C on the coding strand, the complement: MTSS2 is on the minus strand). VCF-style: chr16-70665479-C-G. GRCh37 (hg19) VCF-style: chr16-70699382-C-G.
Other names: short protein forms S372T.
Identifiers: ClinVar variation 3391614 (VCV003391614.1).
Genomic context (GRCh38, chr16:70,665,479, plus strand): 5'-GGAGGGGCAGCTGGTGACTGTCCTGGGGCCGGGCTGGGAGCACTGACCGAGGTGGGGGAG[C>G]TGCACTCGCTAACGGACTGGCAGGTTTCCGAGGCCTCGGAAGATGCAGAGCTGGAGGACT-3'
Protein context (NP_612392.1, residues 362-382): SETCQSVSEC[Ser372Thr]SPTSDWSKVG

ClinVar aggregate classification (germline): Uncertain significance (1 of 4 stars; one submission).

gnomAD v4.1: 1 of 1,555,888 alleles (0.000064%); no homozygotes.

Submission:

GeneDx
Classification: Uncertain significance. Last evaluated: 2024-06-21. Review status: criteria provided, single submitter. Criteria: GeneDx Variant Classification Process June 2021. Collection method: clinical testing. Allele origin: germline. Affected: yes.
Comment: Not observed at significant frequency in large population cohorts (gnomAD); In silico analysis indicates that this missense variant does not alter protein structure/function; Has not been previously published as pathogenic or benign to our knowledge